The following is an entry in ClinVar:

ClinVar aggregate classification (germline): Conflicting classifications of pathogenicity. Review status: criteria provided, conflicting classifications (1 of 4 stars). 6 submissions from 6 submitters: Pathogenic (1); Likely pathogenic (3); Uncertain significance (1). 1 of the submissions does not count toward it. Last evaluated 2026-01-27.

Conditions:
Recessive dystrophic epidermolysis bullosa (RDEB). Also called: Hallopeau-Siemens Disease; Recessive DEB (RDEB); epidermolysis bullosa dystrophica, autosomal recessive; Epidermolysis Bullosa Distrophica Autosomal Recessive (RDEB); EPIDERMOLYSIS BULLOSA DYSTROPHICA, GENERALIZED SEVERE, AUTOSOMAL RECESSIVE; DYSTROPHIC EPIDERMOLYSIS BULLOSA, AUTOSOMAL RECESSIVE. Identifiers: Orphanet 79408, Orphanet 79409, MedGen C0079474, MONDO:0009179, OMIM 226600.
Epidermolysis bullosa dystrophica. Also called: Dystrophic epidermolysis bullosa; Dystrophic epidermolysis bullosa, Hallopeau-Siemens type (formerly). Identifiers: Orphanet 303, MedGen C0079294, MONDO:0006543.
COL7A1-related disorder. Also called: COL7A1- related disorders; COL7A1-related condition.

gnomAD v4.1: 1 of 1,613,636 alleles (0.000062%); no homozygotes.

Submissions (6):

Myriad Genetics, Inc.
Classification: Likely pathogenic for Recessive dystrophic epidermolysis bullosa. Last evaluated: 2026-01-27. Review status: criteria provided, single submitter. Criteria: Myriad Autosomal Dominant, Autosomal Recessive and X-Linked Classification Criteria (2023). Collection method: clinical testing. Allele origin: unknown.
Comment: NM_000094.3(COL7A1):c.5605G>C(G1869R) is a missense variant classified as likely pathogenic in the context of dystrophic epidermolysis bullosa. G1869R has been observed in a case with relevant disease (PMID: 36287101). Relevant functional assessments of this variant are not available in the literature. Internal structural analysis of the variant is supportive of pathogenicity. G1869R has not been observed in referenced population frequency databases. In summary, NM_000094.3(COL7A1):c.5605G>C(G1869R) is a missense variant that has internal structural support for pathogenicity and has been observed more frequently in cases with the relevant disease than in healthy populations. Please note: this variant was assessed in the context of healthy population screening.

Natera, Inc.
Classification: Likely pathogenic for Dystrophic epidermolysis bullosa. Last evaluated: 2025-05-20. Review status: criteria provided, single submitter. Criteria: Natera Variant Classification Schema (03/2026). Collection method: clinical testing. Allele origin: germline.
Comment: The c.5605G>C variant in COL7A1 is a missense variant predicted to cause substitution of glycine to arginine at amino acid 1869. This variant is rare in the general population with a frequency below the threshold expected for the associated phenotype(s). This variant has been observed in one or more individuals affected with the associated recessive disease, as either homozygous or compound heterozygous with a second variant (PMID: 36287101). This variant is located in a functionally critical region of the protein. Computational prediction algorithms indicate this variant is likely to affect gene or protein function. Given the available evidence, this variant is classified as Likely Pathogenic.

Women's Health and Genetics/Laboratory Corporation of America, LabCorp
Classification: Uncertain significance. Last evaluated: 2024-12-16. Review status: criteria provided, single submitter. Criteria: LabCorp Variant Classification Summary - May 2015. Collection method: clinical testing. Allele origin: germline.
Comment: Variant summary: COL7A1 c.5605G>C (p.Gly1869Arg) results in a non-conservative amino acid change in the encoded protein sequence. Five of five in-silico tools predict a damaging effect of the variant on protein function. Consensus agreement among computation tools predict no significant impact on normal splicing. However, these predictions have yet to be confirmed by functional studies. The variant was absent in 248914 control chromosomes. The available data on variant occurrences in the general population are insufficient to allow any conclusion about variant significance. c.5605G>C has been reported in the literature in at least one individual affected with Dystrophic Epidermolysis Bullosa, Recessive (Chen_2023). These data do not allow any conclusion about variant significance. To our knowledge, no experimental evidence demonstrating an impact on protein function has been reported. The following publication has been ascertained in the context of this evaluation (PMID: 36287101). ClinVar contains an entry for this variant (Variation ID: 372341). Based on the evidence outlined above, the variant was classified as uncertain significance.

Molecular Diagnostics Laboratory, M Health Fairview: University of Minnesota
Classification: Likely pathogenic for Recessive dystrophic epidermolysis bullosa. Last evaluated: 2018-02-13. Review status: criteria provided, single submitter. Criteria: ACMG Guidelines, 2015. Collection method: clinical testing. Allele origin: germline. Affected: yes. Observed: 1 variant allele.

GeneDx
Classification: Pathogenic. Last evaluated: 2017-07-27. Review status: criteria provided, single submitter. Criteria: GeneDx Variant Classification (06012015). Collection method: clinical testing. Allele origin: germline. Affected: yes.
Comment: The c.5605 G>C variant in the COL7A1 gene has not been reported previously as a pathogenic variant, nor as a benign variant, to our knowledge. The c.5605 G>C variant is not observed in large population cohorts (Lek et al., 2016; 1000 Genomes Consortium et al., 2015; Exome Variant Server). In-silico splice prediction models predict that c.5605 G>C may damage the splice acceptor site in intron 66, which may cause abnormal gene splicing. If c.5605 G>C does not alter splicing, it will result in the G1869R missense change. The G1869R variant is a non-conservative amino acid substitution, which is likely to impact secondary protein structure as these residues differ in polarity, charge, size and/or other properties. This substitution occurs at a position that is conserved across species, affecting a Glycine residue of the triple-helical region containing Gly-X-Y repeats. In silico analysis predicts this variant is probably damaging to the protein structure/function. We interpret c.5605 G>C as a pathogenic variant.

PreventionGenetics, part of Exact Sciences
Classification: Pathogenic for COL7A1-related condition. Last evaluated: 2024-02-01. Review status: no assertion criteria provided. Collection method: clinical testing. Allele origin: germline. Not counted in ClinVar's aggregate classification.
Comment: The COL7A1 c.5605G>C variant is predicted to result in the amino acid substitution p.Gly1869Arg. This variant has been reported in the compound heterozygous state in an individual with dystrophic epidermolysis bullosa (Table S5, Chen et al. 2023. PubMed ID: 36287101). The amino acid residue p.Gly1869 resides within the triple helical domain of the COL7A1 protein (amino acids 1254-2783). Glycine substitutions within this domain affect the folding and secretion of type VII collagen, and pathogenic variants altering glycine residues have been reported in individuals with COL7A1-related disorders (Dang and Murrell. 2008. PubMed ID: 18558993; Abu Sa'd et al. 2006. PubMed ID: 16439963; Almaani et al. 2011. PubMed ID: 21448560; Vahidnezhad et al. 2017. PubMed ID: 27899325). This variant has not been reported in a large population database, indicating this variant is rare. This variant is interpreted as pathogenic.

Literature cited by the submitters: PubMed 36287101 (cited by 3 submitters).

NM_000094.4(COL7A1):c.5605G>C (p.Gly1869Arg)

Gene: COL7A1 (collagen type VII alpha 1 chain; minus strand). Cytogenetic location: 3p21.31.
Variant type: single nucleotide variant.
Coding change: c.5605G>C on transcript NM_000094.4 (MANE Select); coding-DNA position 5605, G replaced by C.
Protein change: p.Gly1869Arg; replaces glycine 1869 with arginine.
Molecular consequence: missense variant.
Genome position (GRCh38, 1-based): chr3:48,576,771, C>G on the plus strand (G>C on the coding strand, the complement: COL7A1 is on the minus strand). VCF-style: chr3-48576771-C-G. GRCh37 (hg19) VCF-style: chr3-48614204-C-G.
Other names: short protein forms G1869R.
Identifiers: ClinVar variation 372341 (VCV000372341.7), dbSNP rs1057517724, ClinGen allele CA16042520.